The following is an entry in ClinVar:

ClinVar aggregate classification (germline): Uncertain significance (0 of 4 stars; one submission).

Conditions:
PEX7-related disorder. Also called: PEX7-related condition; PEX7-related disorders. Identifiers: MedGen CN239409.

gnomAD v4.1: 1 of 1,612,210 alleles (0.000062%); highest among the groups gnomAD compares: Non-Finnish European, 0.000085%; no homozygotes.

Submission:

PreventionGenetics, part of Exact Sciences
Classification: Uncertain significance for PEX7-related condition. Last evaluated: 2023-12-19. Review status: no assertion criteria provided. Collection method: clinical testing. Allele origin: germline.
Comment: The PEX7 c.502C>G variant is predicted to result in the amino acid substitution p.Pro168Ala. To our knowledge, this variant has not been reported in the literature or in a large population database, indicating this variant is rare. At this time, the clinical significance of this variant is uncertain due to the absence of conclusive functional and genetic evidence.

NM_000288.4(PEX7):c.502C>G (p.Pro168Ala)

Gene: PEX7 (peroxisomal biogenesis factor 7; plus strand). Cytogenetic location: 6q23.3.
Variant type: single nucleotide variant.
Coding change: c.502C>G on transcript NM_000288.4 (MANE Select); coding-DNA position 502, C replaced by G.
Protein change: p.Pro168Ala; replaces proline 168 with alanine.
Molecular consequence: missense variant.
Genome position (GRCh38, 1-based): chr6:136,846,157, C>G. VCF-style: chr6-136846157-C-G. GRCh37 (hg19) VCF-style: chr6-137167295-C-G.
Other names: c.388C>G, p.Pro130Ala (NM_001410945.1); short protein forms P130A, P168A.
Identifiers: ClinVar variation 3032257 (VCV003032257.2), dbSNP rs748601253, ClinGen allele CA365857318.